The following is an entry in ClinVar:

NM_004946.3(DOCK2):c.5398C>T (p.Arg1800Trp)

Gene: DOCK2 (dedicator of cytokinesis 2; plus strand). Cytogenetic location: 5q35.1.
Variant type: single nucleotide variant.
Coding change: c.5398C>T on transcript NM_004946.3 (MANE Select); coding-DNA position 5398, C replaced by T.
Protein change: p.Arg1800Trp; replaces arginine 1800 with tryptophan.
Molecular consequence: missense variant. On other transcripts: non-coding transcript variant (1).
Genome position (GRCh38, 1-based): chr5:170,081,952, C>T. VCF-style: chr5-170081952-C-T. GRCh37 (hg19) VCF-style: chr5-169508956-C-T.
Other names: short protein forms R1800W.
Identifiers: ClinVar variation 1370461 (VCV001370461.7), dbSNP rs368448938, ClinGen allele CA3554867.

ClinVar aggregate classification (germline): Uncertain significance. Review status: criteria provided, multiple submitters, no conflicts (2 of 4 stars). 2 submissions from 2 submitters: Uncertain significance (2). Last evaluated 2023-08-10.

Conditions:
DOCK2 deficiency. Also called: Immunodeficiency 40. Identifiers: Orphanet 447737, MedGen C4225328, MONDO:0014637, OMIM 616433.

Allele frequency attached by ClinVar (database versions not stated): gnomAD 0.00001; TOPMed 0.00001; ExAC 0.00002; gnomAD exomes 0.00002; ESP Exome Variant Server 0.00008.
gnomAD v4.1: 51 of 1,613,954 alleles (0.0032%); highest among the groups gnomAD compares: East Asian, 0.0067%; no homozygotes.

Submissions (2):

Labcorp Genetics (formerly Invitae), Labcorp
Classification: Uncertain significance for DOCK2 deficiency. Last evaluated: 2023-08-10. Review status: criteria provided, single submitter. Criteria: Invitae Variant Classification Sherloc (09022015). Collection method: clinical testing. Allele origin: germline.
Comment: In summary, the available evidence is currently insufficient to determine the role of this variant in disease. Therefore, it has been classified as a Variant of Uncertain Significance. An algorithm developed to predict the effect of missense changes on protein structure and function (PolyPhen-2) suggests that this variant is likely to be disruptive. ClinVar contains an entry for this variant (Variation ID: 1370461). This variant has not been reported in the literature in individuals affected with DOCK2-related conditions. This variant is present in population databases (rs368448938, gnomAD 0.002%). This sequence change replaces arginine, which is basic and polar, with tryptophan, which is neutral and slightly polar, at codon 1800 of the DOCK2 protein (p.Arg1800Trp).

Blueprint Genetics
Classification: Uncertain significance. Last evaluated: 2022-09-07. Review status: criteria provided, single submitter. Criteria: ACMG Guidelines, 2015. Collection method: clinical testing. Allele origin: germline.